The following is an entry in ClinVar:

ClinVar aggregate classification (germline): Uncertain significance (1 of 4 stars; one submission).

Conditions:
CEP290-related disorder. Also called: CEP290-related disorders; CEP290-related condition. Identifiers: MedGen CN239314.

Submission:

PreventionGenetics, part of Exact Sciences
Classification: Uncertain significance for CEP290-related condition. Last evaluated: 2024-12-30. Review status: criteria provided, single submitter. Criteria: ACMG Guidelines, 2015. Collection method: clinical testing. Allele origin: germline.
Comment: The CEP290 c.6733G>A variant is predicted to result in the amino acid substitution p.Gly2245Ser. To our knowledge, this variant has not been reported in the literature or in a large population database (gnomAD), indicating this variant is rare. At this time, the clinical significance of this variant is uncertain due to the absence of conclusive functional and genetic evidence.

NM_025114.4(CEP290):c.6733G>A (p.Gly2245Ser)

Gene: CEP290 (centrosomal protein 290; minus strand). Cytogenetic location: 12q21.32.
Variant type: single nucleotide variant.
Coding change: c.6733G>A on transcript NM_025114.4 (MANE Select); coding-DNA position 6733, G replaced by A.
Protein change: p.Gly2245Ser; replaces glycine 2245 with serine.
Molecular consequence: missense variant.
Genome position (GRCh38, 1-based): chr12:88,058,933, C>T on the plus strand (G>A on the coding strand, the complement: CEP290 is on the minus strand). VCF-style: chr12-88058933-C-T. GRCh37 (hg19) VCF-style: chr12-88452710-C-T.
Other names: short protein forms G2245S.
Identifiers: ClinVar variation 4999403 (VCV004999403.1).
Genomic context (GRCh38, chr12:88,058,933, plus strand): 5'-TCTTACTGTCAGCACCTTCAAGCTGTGGACCTCTGCTTTCTGCAAACTGCAATCTCTTAC[C>T]AGTCTCTTCTAGTTGAACTGTCATCTTCTCATTTAATATCTCTAAATTATTCTTTGCTAT-3'
Protein context (NP_079390.3, residues 2235-2255): EKMTVQLEET[Gly2245Ser]KRLQFAESRG